The following is an entry in ClinVar:

NM_033118.4(MYLK2):c.347G>A (p.Gly116Glu)

Gene: MYLK2 (myosin light chain kinase 2; plus strand). Cytogenetic location: 20q11.21.
Variant type: single nucleotide variant.
Coding change: c.347G>A on transcript NM_033118.4 (MANE Select); coding-DNA position 347, G replaced by A.
Protein change: p.Gly116Glu; replaces glycine 116 with glutamic acid.
Molecular consequence: missense variant.
Genome position (GRCh38, 1-based): chr20:31,820,420, G>A. VCF-style: chr20-31820420-G-A. GRCh37 (hg19) VCF-style: chr20-30408223-G-A.
Other names: short protein forms G116E.
Identifiers: ClinVar variation 1731835 (VCV001731835.4), dbSNP rs1307094136, ClinGen allele CA408525413.

ClinVar aggregate classification (germline): Uncertain significance. Review status: criteria provided, multiple submitters, no conflicts (2 of 4 stars). 2 submissions from 2 submitters: Uncertain significance (2). Last evaluated 2024-10-15.

Conditions:
Hypertrophic cardiomyopathy 1 (CMH1). Also called: Familial hypertrophic cardiomyopathy 1; MYH7-Related Familial Hypertrophic Cardiomyopathy. Identifiers: MedGen C3495498, MONDO:0008647, OMIM 192600.

Allele frequency attached by ClinVar (database versions not stated): gnomAD exomes below 0.00001.
gnomAD v4.1: 6 of 1,612,894 alleles (0.00037%); highest among the groups gnomAD compares: Non-Finnish European, 0.00051%; no homozygotes.

Submissions (2):

Labcorp Genetics (formerly Invitae), Labcorp
Classification: Uncertain significance for Hypertrophic cardiomyopathy 1. Last evaluated: 2024-10-15. Review status: criteria provided, single submitter. Criteria: Invitae Variant Classification Sherloc (09022015). Collection method: clinical testing. Allele origin: germline.
Comment: This sequence change replaces glycine, which is neutral and non-polar, with glutamic acid, which is acidic and polar, at codon 116 of the MYLK2 protein (p.Gly116Glu). This variant is present in population databases (no rsID available, gnomAD 0.0009%). This variant has not been reported in the literature in individuals affected with MYLK2-related conditions. ClinVar contains an entry for this variant (Variation ID: 1731835). Invitae Evidence Modeling of protein sequence and biophysical properties (such as structural, functional, and spatial information, amino acid conservation, physicochemical variation, residue mobility, and thermodynamic stability) indicates that this missense variant is not expected to disrupt MYLK2 protein function with a negative predictive value of 80%. In summary, the available evidence is currently insufficient to determine the role of this variant in disease. Therefore, it has been classified as a Variant of Uncertain Significance.

Ambry Genetics
Classification: Uncertain significance. Last evaluated: 2022-09-26. Review status: criteria provided, single submitter. Criteria: Ambry Variant Classification Scheme 2023. Collection method: clinical testing. Allele origin: germline.
Comment: The p.G116E variant (also known as c.347G>A), located in coding exon 2 of the MYLK2 gene, results from a G to A substitution at nucleotide position 347. The glycine at codon 116 is replaced by glutamic acid, an amino acid with similar properties. This amino acid position is conserved. In addition, this alteration is predicted to be tolerated by in silico analysis. Since supporting evidence is limited at this time, the clinical significance of this alteration remains unclear.